The following is an entry in ClinVar:

ClinVar aggregate classification (germline): Pathogenic. Review status: criteria provided, single submitter (1 of 4 stars). 2 submissions from 2 submitters: Pathogenic (1). 1 of the submissions does not count toward it. Last evaluated 2020-04-17.

Conditions:
NOTCH3-related disorder. Also called: NOTCH3-related disorders; NOTCH3-related condition.

Allele frequency attached by ClinVar (database versions not stated): gnomAD exomes below 0.00001.
gnomAD v4.1: 1 of 1,613,408 alleles (0.000062%); highest among the groups gnomAD compares: Non-Finnish European, 0.000085%; no homozygotes.

Submissions (2):

Athena Diagnostics
Classification: Pathogenic. Last evaluated: 2020-04-17. Review status: criteria provided, single submitter. Criteria: Athena Diagnostics Criteria. Collection method: clinical testing. Allele origin: unknown.
Comment: The variant disrupts a cysteine residue in an EGF-like repeat domain, which is important for the structure of this protein. Therefore it is expected to severely affect the function of the protein. Not found in the total gnomAD dataset, and the data is high quality. Found in at least one patient with expected phenotype for this gene. Predicted to have a damaging effect on the protein. One other pathogenic or likely pathogenic variant affects the same amino acid.

PreventionGenetics, part of Exact Sciences
Classification: Likely pathogenic for NOTCH3-related condition. Last evaluated: 2024-06-04. Review status: no assertion criteria provided. Collection method: clinical testing. Allele origin: germline. Not counted in ClinVar's aggregate classification.
Comment: The NOTCH3 c.986G>A variant is predicted to result in the amino acid substitution p.Cys329Tyr. This variant was reported in at least one individual with CADASIL (Mukai et al. 2020. PubMed ID: 32277177). This variant has not been reported in a large population database, indicating this variant is rare. Most CADASIL causing variants in the NOTCH3 gene result in the gain or loss of one or more cysteine residues in the extracellular domain of the protein, as seen in this patient. This patient’s variant alters a cysteine residue and is located in the extracellular EGF-like domain eight. Pathogenic variants in EGF-like domains 1-6 appear to be fully penetrant and are usually associated with the classical CADASIL phenotype. However, there is variability in disease severity. Pathogenic variants in EGF-like domains 7-34 have a much higher population frequency, and can predispose to a milder small-vessel disease, possibly even displaying incomplete or at least very late onset complete penetrance (OMIM #125310; Rutten et al. 2016. PubMed ID: 27844030; Rutten et al. 2019. PubMed ID: 30032161). This variant is interpreted as likely pathogenic.

Literature cited by the submitters: PubMed 25344745 (cited by Athena Diagnostics); PubMed 30956055 (cited by Athena Diagnostics); PubMed 27725551 (cited by Athena Diagnostics); PubMed 28991717 (cited by Athena Diagnostics).

NM_000435.3(NOTCH3):c.986G>A (p.Cys329Tyr)

Gene: NOTCH3 (notch receptor 3; minus strand). Cytogenetic location: 19p13.12.
Variant type: single nucleotide variant.
Coding change: c.986G>A on transcript NM_000435.3 (MANE Select); coding-DNA position 986, G replaced by A.
Protein change: p.Cys329Tyr; replaces cysteine 329 with tyrosine.
Molecular consequence: missense variant.
Genome position (GRCh38, 1-based): chr19:15,191,474, C>T on the plus strand (G>A on the coding strand, the complement: NOTCH3 is on the minus strand). VCF-style: chr19-15191474-C-T. GRCh37 (hg19) VCF-style: chr19-15302285-C-T.
Other names: short protein forms C329Y.
Identifiers: ClinVar variation 995059 (VCV000995059.2), dbSNP rs2046925963, ClinGen allele CA404530891.